The following is an entry in ClinVar:

NM_000135.4(FANCA):c.1776+7A>G

Gene: FANCA (FA complementation group A; minus strand). Cytogenetic location: 16q24.3.
Variant type: single nucleotide variant.
Coding change: c.1776+7A>G on transcript NM_000135.4 (MANE Select); 7 bases into the intron after coding-DNA position 1776, A replaced by G.
Molecular consequence: intron variant.
Genome position (GRCh38, 1-based): chr16:89,778,936, T>C on the plus strand (A>G on the coding strand, the complement: FANCA is on the minus strand). VCF-style: chr16-89778936-T-C. GRCh37 (hg19) VCF-style: chr16-89845344-T-C.
Other names: c.1776+7A>G (LRG_495t1, NM_001286167.3).
Identifiers: ClinVar variation 555700 (VCV000555700.7), dbSNP rs1555552070, ClinGen allele CA658823882.
Genomic context (GRCh38, chr16:89,778,936, plus strand): 5'-GAGACTGACAAGGAAAGTCCTTGCTTTCTACACAACTGGTCACAAACTCATGGAGACGCA[T>C]ACTGACCACTCGAGGTGTGAGCAGGGCGGGGAGGAAGTGGGACACGTAGTAAGGCCTCCT-3'

ClinVar aggregate classification (germline): Conflicting classifications of pathogenicity. Review status: criteria provided, conflicting classifications (1 of 4 stars). 3 submissions from 3 submitters: Likely pathogenic (1); Uncertain significance (1). 1 of the submissions does not count toward it. Last evaluated 2023-04-12.

Conditions:
Fanconi anemia complementation group A (FANCA). Also called: FANCA-Related Fanconi Anemia; Fanconi anemia, group A. Identifiers: Orphanet 84, MedGen C3469521, MONDO:0009215, OMIM 227650.
Fanconi anemia (FA). Also called: Fanconi's anemia. Identifiers: Orphanet 84, MedGen C0015625, MeSH D005199, MONDO:0019391.

Allele frequency attached by ClinVar (database versions not stated): gnomAD exomes below 0.00001.

Submissions (3):

Labcorp Genetics (formerly Invitae), Labcorp
Classification: Likely pathogenic for Fanconi anemia. Last evaluated: 2023-04-12. Review status: criteria provided, single submitter. Criteria: Invitae Variant Classification Sherloc (09022015). Collection method: clinical testing. Allele origin: germline.
Comment: This variant is not present in population databases (gnomAD no frequency). In summary, the currently available evidence indicates that the variant is pathogenic, but additional data are needed to prove that conclusively. Therefore, this variant has been classified as Likely Pathogenic. Studies have shown that this variant results in skipping of exon 19 and introduces a premature termination codon (PMID: 24584348). The resulting mRNA is expected to undergo nonsense-mediated decay. ClinVar contains an entry for this variant (Variation ID: 555700). This variant has been observed in individual(s) with fanconi anemia (PMID: 24584348). In at least one individual the data is consistent with being in trans (on the opposite chromosome) from a pathogenic variant. This sequence change falls in intron 19 of the FANCA gene. It does not directly change the encoded amino acid sequence of the FANCA protein. RNA analysis indicates that this variant induces altered splicing and may result in an absent or disrupted protein product.

GeneDx
Classification: Uncertain significance. Last evaluated: 2021-03-23. Review status: criteria provided, single submitter. Criteria: GeneDx Variant Classification Process June 2021. Collection method: clinical testing. Allele origin: germline. Affected: yes.
Comment: Reported with another FANCA variant in a patient with Fanconi anemia in the published literature, but it is not known whether the variants occurred on the same (in cis) or on different (in trans) chromosomes (De Rocco et al., 2014); Not observed in large population cohorts (Lek et al., 2016); In-silico analysis, which includes splice predictors and evolutionary conservation, is inconclusive as to whether the variant alters gene splicing. In the absence of RNA/functional studies, the actual effect of this sequence change is unknown.; This variant is associated with the following publications: (PMID: 24584348)

Counsyl
Classification: Uncertain significance for Fanconi anemia complementation group A. Last evaluated: 2017-12-24. Review status: no assertion criteria provided. Collection method: clinical testing. Allele origin: unknown. Not counted in ClinVar's aggregate classification.

Literature cited by the submitters: PubMed 24584348 (cited by Labcorp Genetics (formerly Invitae), Labcorp and Counsyl).